The following is an entry in ClinVar:

ClinVar aggregate classification (germline): Uncertain significance. Review status: criteria provided, multiple submitters, no conflicts (2 of 4 stars). 2 submissions from 2 submitters: Uncertain significance (2). Last evaluated 2025-05-30.

Conditions:
Cardiovascular phenotype. Identifiers: MedGen CN230736.
Dilated cardiomyopathy 1O (CMD1O). Also called: CARDIOMYOPATHY, DILATED, WITH VENTRICULAR TACHYCARDIA. Identifiers: Orphanet 154, MedGen C1837839, MONDO:0012062, OMIM 608569.

Allele frequency attached by ClinVar (database versions not stated): gnomAD 0.00001; ExAC 0.00002; gnomAD exomes 0.00002.
gnomAD v4.1: 8 of 1,595,050 alleles (0.0005%); highest among the groups gnomAD compares: Non-Finnish European, 0.00069%; no homozygotes.

Submissions (2):

Labcorp Genetics (formerly Invitae), Labcorp
Classification: Uncertain significance for Dilated cardiomyopathy 1O. Last evaluated: 2025-05-30. Review status: criteria provided, single submitter. Criteria: Invitae Variant Classification Sherloc (09022015). Collection method: clinical testing. Allele origin: germline.
Comment: This sequence change falls in intron 15 of the ABCC9 gene. It does not directly change the encoded amino acid sequence of the ABCC9 protein. It affects a nucleotide within the consensus splice site. This variant is present in population databases (rs763488230, gnomAD 0.003%). This variant has not been reported in the literature in individuals affected with ABCC9-related conditions. ClinVar contains an entry for this variant (Variation ID: 1399135). Variants that disrupt the consensus splice site are a relatively common cause of aberrant splicing (PMID: 17576681, 9536098). Algorithms developed to predict the effect of sequence changes on RNA splicing suggest that this variant is not likely to affect RNA splicing. In summary, the available evidence is currently insufficient to determine the role of this variant in disease. Therefore, it has been classified as a Variant of Uncertain Significance.

Ambry Genetics
Classification: Uncertain significance for Cardiovascular phenotype. Last evaluated: 2025-02-07. Review status: criteria provided, single submitter. Criteria: Ambry Variant Classification Scheme 2023. Collection method: clinical testing. Allele origin: germline.
Comment: The c.2092+5G>T intronic variant results from a G to T substitution 5 nucleotides after coding exon 15 in the ABCC9 gene. This nucleotide position is highly conserved in available vertebrate species. In silico splice site analysis predicts that this alteration will not have any significant effect on splicing. Based on the available evidence, the clinical significance of this variant remains unclear.

Literature cited by the submitters: PubMed 17576681 (cited by Labcorp Genetics (formerly Invitae), Labcorp); PubMed 9536098 (cited by Labcorp Genetics (formerly Invitae), Labcorp).

NM_020297.4(ABCC9):c.2092+5G>T

Gene: ABCC9 (ATP binding cassette subfamily C member 9; minus strand). Cytogenetic location: 12p12.1.
Variant type: single nucleotide variant.
Coding change: c.2092+5G>T on transcript NM_020297.4 (MANE Select); 5 bases into the intron after coding-DNA position 2092, G replaced by T.
Molecular consequence: intron variant.
Genome position (GRCh38, 1-based): chr12:21,875,649, C>A on the plus strand (G>T on the coding strand, the complement: ABCC9 is on the minus strand). VCF-style: chr12-21875649-C-A. GRCh37 (hg19) VCF-style: chr12-22028583-C-A.
Other names: c.1228+5G>T (NM_001377274.1); c.2092+5G>T (NM_005691.4, NM_001377273.1, NM_005691.2).
Identifiers: ClinVar variation 1399135 (VCV001399135.7), dbSNP rs763488230, ClinGen allele CA6481503.